The following is an entry in ClinVar:

ClinVar aggregate classification (germline): Uncertain significance (1 of 4 stars; one submission).

Submission:

Women's Health and Genetics/Laboratory Corporation of America, LabCorp
Classification: Uncertain significance. Last evaluated: 2024-08-16. Review status: criteria provided, single submitter. Criteria: LabCorp Variant Classification Summary - May 2015. Collection method: clinical testing. Allele origin: germline.
Comment: Variant summary: RPS23 c.4+4A>C alters a non-conserved nucleotide located close to a canonical splice site and therefore could affect mRNA splicing, leading to a significantly altered protein sequence. Several computational tools predict a significant impact on normal splicing: One predict the variant abolishes a canonical 5' splicing donor site. Two predict the variant weakens a canonical 5' donor site. However, these predictions have yet to be confirmed by functional studies. The variant was absent in 238626 control chromosomes. The available data on variant occurrences in the general population are insufficient to allow any conclusion about variant significance. To our knowledge, no occurrence of c.4+4A>C in individuals affected with Brachycephaly, Trichomegaly, And Developmental Delay and no experimental evidence demonstrating its impact on protein function have been reported. No submitters have cited clinical-significance assessments for this variant to ClinVar. Based on the evidence outlined above, the variant was classified as uncertain significance.

NM_001025.5(RPS23):c.4+4A>C

Gene: RPS23 (ribosomal protein S23; minus strand). Cytogenetic location: 5q14.2.
Variant type: single nucleotide variant.
Coding change: c.4+4A>C on transcript NM_001025.5 (MANE Select); 4 bases into the intron after coding-DNA position 4, A replaced by C.
Molecular consequence: intron variant.
Genome position (GRCh38, 1-based): chr5:82,278,316, T>G on the plus strand (A>C on the coding strand, the complement: RPS23 is on the minus strand). VCF-style: chr5-82278316-T-G. GRCh37 (hg19) VCF-style: chr5-81574135-T-G.
Identifiers: ClinVar variation 3366757 (VCV003366757.1).